The following is an entry in ClinVar:

ClinVar aggregate classification (germline): Pathogenic (1 of 4 stars; one submission).
ClinVar aggregate classification (somatic clinical impact): Tier II - Potential (1 of 4 stars; one submission).
ClinVar aggregate classification (oncogenicity): Oncogenic (1 of 4 stars; one submission).

Conditions:
Colorectal cancer. Also called: Malignant Colorectal Neoplasm; Colorectal cancer, somatic. Identifiers: MedGen C0346629, MONDO:0005575, OMIM 114500.
Neoplasm. Also called: tumor; Neoplasms; Neoplasm (disease). Identifiers: MedGen C0027651, MeSH D009369, MONDO:0005070, HP:0002664.

Allele frequency attached by ClinVar (database versions not stated): gnomAD exomes below 0.00001.
gnomAD v4.1: 2 of 1,592,590 alleles (0.00013%); highest among the groups gnomAD compares: South Asian, 0.0012%; no homozygotes.

Submissions (3):

Center for Genomic Medicine, Rigshospitalet, Copenhagen University Hospital
Classification: Oncogenic for Neoplasm. Last evaluated: 2025-12-29. Review status: criteria provided, single submitter. Criteria: ClinGen/CGC/VICC Guidelines for Oncogenicity, 2022. Collection method: clinical testing. Allele origin: somatic. Affected: yes.

Institute for Genomic Medicine (IGM) Clinical Laboratory, Nationwide Children's Hospital
Classification: Tier II - Potential for Colorectal cancer. Assertion type: diagnostic. Clinical significance: supports diagnosis. Last evaluated: 2023-10-17. Review status: criteria provided, single submitter. Criteria: AMP/ASCO/CAP Guidelines, 2017. Collection method: clinical testing. Allele origin: somatic. Affected: yes.
Comment: Variant has Tier II (potential) clinical significance as a diagnostic inclusion criterion in colorectal cancer, based on the following evidence: 1) Documented in one or more cancer databases (e.g., St. Jude Pecan, COSMIC, CIViC, OncoKB). 2) Information in the literature supports potential biologic effect of variant (PMIDs: 17646408, 17646409, 17909001, 23095493, 28963353). 3) Diagnostic significance based on multiple small studies (Evidence Level C; PMIDs: 17909001, 25450649, 28963353, 37064111).

CeGaT Center for Human Genetics Tuebingen
Classification: Pathogenic. Last evaluated: 2022-10-01. Review status: criteria provided, single submitter. Criteria: CeGaT Center For Human Genetics Tuebingen Variant Classification Criteria Version 2. Collection method: clinical testing. Allele origin: germline. Affected: yes. Observed: 1 variant allele.

Literature cited by the submitters: PubMed 31161818 (cited by Center for Genomic Medicine, Rigshospitalet, Copenhagen University Hospital); PubMed 17646409 (cited by Center for Genomic Medicine, Rigshospitalet, Copenhagen University Hospital and Institute for Genomic Medicine (IGM) Clinical Laboratory, Nationwide Children's Hospital); PubMed 17646408 (cited by Institute for Genomic Medicine (IGM) Clinical Laboratory, Nationwide Children's Hospital); PubMed 17909001 (cited by Institute for Genomic Medicine (IGM) Clinical Laboratory, Nationwide Children's Hospital); PubMed 23095493 (cited by Institute for Genomic Medicine (IGM) Clinical Laboratory, Nationwide Children's Hospital); PubMed 28963353 (cited by Institute for Genomic Medicine (IGM) Clinical Laboratory, Nationwide Children's Hospital); PubMed 25450649 (cited by Institute for Genomic Medicine (IGM) Clinical Laboratory, Nationwide Children's Hospital); PubMed 37064111 (cited by Institute for Genomic Medicine (IGM) Clinical Laboratory, Nationwide Children's Hospital).

NM_001349798.2(FBXW7):c.1393C>T (p.Arg465Cys)

Gene: FBXW7 (F-box and WD repeat domain containing 7; minus strand). Cytogenetic location: 4q31.3.
Variant type: single nucleotide variant.
Coding change: c.1393C>T on transcript NM_001349798.2 (MANE Select); coding-DNA position 1393, C replaced by T.
Protein change: p.Arg465Cys; replaces arginine 465 with cysteine.
Molecular consequence: missense variant.
Genome position (GRCh38, 1-based): chr4:152,328,233, G>A on the plus strand (C>T on the coding strand, the complement: FBXW7 is on the minus strand). VCF-style: chr4-152328233-G-A. GRCh37 (hg19) VCF-style: chr4-153249385-G-A.
Other names: c.1039C>T, p.Arg347Cys (NM_001013415.2, LRG_1141t3); c.1153C>T, p.Arg385Cys (NM_018315.5, LRG_1141t2); c.1393C>T, p.Arg465Cys (NM_033632.3, LRG_1141t1); short protein forms R465C, R347C, R385C.
Identifiers: ClinVar variation 376414 (VCV000376414.32), dbSNP rs867384286, ClinGen allele CA16602851.